The following is an entry in ClinVar:

ClinVar aggregate classification (germline): Uncertain significance. Review status: criteria provided, multiple submitters, no conflicts (2 of 4 stars). 2 submissions from 2 submitters: Uncertain significance (2). Last evaluated 2026-05-28.

gnomAD v4.1: 2 of 1,161,870 alleles (0.00017%); highest among the groups gnomAD compares: Non-Finnish European, 0.00012%; no homozygotes.

Submissions (2):

GeneDx
Classification: Uncertain significance. Last evaluated: 2026-05-28. Review status: criteria provided, single submitter. Criteria: GeneDx Variant Classification Process June 2021. Collection method: clinical testing. Allele origin: germline.
Comment: Not observed at significant frequency in large population cohorts (gnomAD); In silico analysis suggests that this missense variant does not alter protein structure/function; Has not been previously published as pathogenic or benign to our knowledge

CeGaT Center for Human Genetics Tuebingen
Classification: Uncertain significance. Last evaluated: 2025-10-01. Review status: criteria provided, single submitter. Criteria: CeGaT Center For Human Genetics Tuebingen Variant Classification Criteria Version 2. Collection method: clinical testing. Allele origin: germline. Affected: yes. Observed: 1 variant allele.

NM_005120.3(MED12):c.6296A>C (p.Gln2099Pro)

Gene: MED12 (mediator complex subunit 12; plus strand). Cytogenetic location: Xq13.1.
Variant type: single nucleotide variant.
Coding change: c.6296A>C on transcript NM_005120.3 (MANE Select); coding-DNA position 6296, A replaced by C.
Protein change: p.Gln2099Pro; replaces glutamine 2099 with proline.
Molecular consequence: missense variant.
Genome position (GRCh38, 1-based): chrX:71,141,258, A>C. VCF-style: chrX-71141258-A-C. GRCh37 (hg19) VCF-style: chrX-70361108-A-C.
Other names: short protein forms Q2099P.
Identifiers: ClinVar variation 4527370 (VCV004527370.8).